The following is an entry in ClinVar:

NM_000069.3(CACNA1S):c.2447T>A (p.Leu816Gln)

Gene: CACNA1S (calcium voltage-gated channel subunit alpha1 S; minus strand). Cytogenetic location: 1q32.1.
Variant type: single nucleotide variant.
Coding change: c.2447T>A on transcript NM_000069.3 (MANE Select); coding-DNA position 2447, T replaced by A.
Protein change: p.Leu816Gln; replaces leucine 816 with glutamine.
Molecular consequence: missense variant.
Genome position (GRCh38, 1-based): chr1:201,069,515, A>T on the plus strand (T>A on the coding strand, the complement: CACNA1S is on the minus strand). VCF-style: chr1-201069515-A-T. GRCh37 (hg19) VCF-style: chr1-201038643-A-T.
Other names: short protein forms L816Q.
Identifiers: ClinVar variation 3071431 (VCV003071431.1), dbSNP rs1478780553, ClinGen allele CA344106957.

ClinVar aggregate classification (germline): Uncertain significance (1 of 4 stars; one submission).

Conditions:
Malignant hyperthermia, susceptibility to, 5 (MHS5). Also called: CACNA1S-Related Malignant Hyperthermia Susceptibility. Identifiers: Orphanet 423, MedGen C1866077, MONDO:0011163, OMIM 601887.

Allele frequency attached by ClinVar (database versions not stated): TOPMed below 0.00001.

Submission:

All of Us Research Program, National Institutes of Health
Classification: Uncertain significance for Malignant hyperthermia, susceptibility to, 5. Last evaluated: 2023-05-31. Review status: criteria provided, single submitter. Criteria: ACMG Guidelines, 2015. Collection method: clinical testing. Allele origin: germline. Inheritance: Autosomal dominant inheritance. Observed: 1 variant allele, 1 heterozygote.
Comment: This study involves interpretation of variants in research participants for the purpose of population health screening. Participant phenotype was not available at the time of variant classification. Additional details can be found in publication PMID: 35346344, PMCID: PMC8962531